The following is an entry in ClinVar:

ClinVar aggregate classification (germline): Conflicting classifications of pathogenicity. Review status: criteria provided, conflicting classifications (1 of 4 stars). 2 submissions from 2 submitters: Uncertain significance (1); Likely benign (1). Last evaluated 2023-03-23.

Conditions:
Hereditary cancer-predisposing syndrome. Also called: Tumor predisposition; Hereditary neoplastic syndrome; Neoplastic Syndromes, Hereditary; Hereditary Cancer Syndrome. Identifiers: Orphanet 140162, MedGen C0027672, MeSH D009386, MONDO:0015356.
Hereditary breast ovarian cancer syndrome. Also called: Hereditary breast and ovarian cancer syndrome; Hereditary breast and/or ovarian cancer syndrome; Hereditary breast and ovarian cancer; Breast and ovarian cancer; Hereditary breast and ovarian cancer syndrome (HBOC); BRCA1- and BRCA2-Associated Hereditary Breast and Ovarian Cancer. Identifiers: Orphanet 145, MedGen C0677776, MeSH D061325, MONDO:0003582. Disease mechanism: loss of function.

Submissions (2):

University of Washington Department of Laboratory Medicine, University of Washington
Classification: Likely benign for Hereditary cancer-predisposing syndrome. Last evaluated: 2023-03-23. Review status: criteria provided, single submitter. Criteria: Dines et al. (Genet Med. 2020). Collection method: curation. Allele origin: germline.
Comment: Missense variant in a coldspot region where missense variants are very unlikely to be pathogenic (PMID:31911673).

BRCA1 coldspot (exon 11 using historical exon numbering). Reclassification based on statistical prior probability

Labcorp Genetics (formerly Invitae), Labcorp
Classification: Uncertain significance for Hereditary breast ovarian cancer syndrome. Last evaluated: 2021-07-19. Review status: criteria provided, single submitter. Criteria: Invitae Variant Classification Sherloc (09022015). Collection method: clinical testing. Allele origin: germline.
Comment: This variant is not present in population databases (ExAC no frequency). In summary, the available evidence is currently insufficient to determine the role of this variant in disease. Therefore, it has been classified as a Variant of Uncertain Significance. Advanced modeling of protein sequence and biophysical properties (such as structural, functional, and spatial information, amino acid conservation, physicochemical variation, residue mobility, and thermodynamic stability) performed at Invitae indicates that this missense variant is not expected to disrupt BRCA1 protein function. This variant has not been reported in the literature in individuals with BRCA1-related conditions. This sequence change replaces leucine with methionine at codon 342 of the BRCA1 protein (p.Leu342Met). The leucine residue is moderately conserved and there is a small physicochemical difference between leucine and methionine.

NM_007294.4(BRCA1):c.1024C>A (p.Leu342Met)

Gene: BRCA1 (BRCA1 DNA repair associated; minus strand). Cytogenetic location: 17q21.31.
Variant type: single nucleotide variant.
Coding change: c.1024C>A on transcript NM_007294.4 (MANE Select); coding-DNA position 1024, C replaced by A.
Protein change: p.Leu342Met; replaces leucine 342 with methionine.
Molecular consequence: missense variant. On other transcripts: intron variant (137).
Genome position (GRCh38, 1-based): chr17:43,094,507, G>T on the plus strand (C>A on the coding strand, the complement: BRCA1 is on the minus strand). VCF-style: chr17-43094507-G-T. GRCh37 (hg19) VCF-style: chr17-41246524-G-T.
Other names: c.811C>A, p.Leu271Met (NM_001407571.1, NM_001407853.1, NM_001407894.1 and 9 more transcripts); c.1024C>A, p.Leu342Met (NM_001407581.1, NM_001407582.1, NM_001407583.1 and 30 more transcripts); c.1021C>A, p.Leu341Met (NM_001407587.1, NM_001407590.1, NM_001407591.1 and 22 more transcripts); c.1015C>A, p.Leu339Met (NM_001407646.1, NM_001407647.1); c.901C>A, p.Leu301Met (NM_001407648.1, NM_001407664.1, NM_001407665.1 and 19 more transcripts); c.898C>A, p.Leu300Met (NM_001407649.1, NM_001407670.1, NM_001407671.1 and 11 more transcripts); c.946C>A, p.Leu316Met (NM_001407653.1, NM_001407654.1, NM_001407655.1 and 4 more transcripts); c.943C>A, p.Leu315Met (NM_001407659.1, NM_001407660.1, NM_001407661.1 and 1 more transcripts); and 40 more; short protein forms L295M, L342M, L230M, L274M, L275M, L253M, L272M, L294M.
Identifiers: ClinVar variation 1426807 (VCV001426807.11), dbSNP rs2154479720, ClinGen allele CA10600011.